The following is an entry in ClinVar:

ClinVar aggregate classification (germline): Likely pathogenic (1 of 4 stars; one submission).

gnomAD v4.1: 1 of 1,594,458 alleles (0.000063%); highest among the groups gnomAD compares: Non-Finnish European, 0.000085%; no homozygotes.

Submission:

Labcorp Genetics (formerly Invitae), Labcorp
Classification: Likely pathogenic. Last evaluated: 2024-02-07. Review status: criteria provided, single submitter. Criteria: Invitae Variant Classification Sherloc (09022015). Collection method: clinical testing. Allele origin: germline.
Comment: This sequence change affects a donor splice site in intron 2 of the CD55 gene. It is expected to disrupt RNA splicing. Variants that disrupt the donor or acceptor splice site typically lead to a loss of protein function (PMID: 16199547), and loss-of-function variants in CD55 are known to be pathogenic (PMID: 28657829, 28657861). This variant is not present in population databases (gnomAD no frequency). This variant has not been reported in the literature in individuals affected with CD55-related conditions. Algorithms developed to predict the effect of sequence changes on RNA splicing suggest that this variant may disrupt the consensus splice site. In summary, the currently available evidence indicates that the variant is pathogenic, but additional data are needed to prove that conclusively. Therefore, this variant has been classified as Likely Pathogenic.

Literature cited by the submitters: PubMed 16199547; PubMed 28657829; PubMed 28657861.

NM_000574.5(CD55):c.286+2T>A

Gene: CD55 (CD55 molecule (Cromer blood group); plus strand). Cytogenetic location: 1q32.2.
Variant type: single nucleotide variant.
Coding change: c.286+2T>A on transcript NM_000574.5 (MANE Select); the canonical splice donor site of the intron after coding-DNA position 286, T replaced by A.
Molecular consequence: splice donor variant.
Genome position (GRCh38, 1-based): chr1:207,322,569, T>A. VCF-style: chr1-207322569-T-A. GRCh37 (hg19) VCF-style: chr1-207495914-T-A.
Other names: c.286+2T>A (NM_001114752.3, NM_001300903.2, NM_001300904.2 and 1 more transcripts).
Identifiers: ClinVar variation 3639595 (VCV003639595.2).
Genomic context (GRCh38, chr1:207,322,569, plus strand): 5'-GGACTCAGTGATCTGCCTTAAGGGCAGTCAATGGTCAGATATTGAAGAGTTCTGCAATCG[T>A]AAGTTCTTCATCTTTTTAGAAAAGTTCTGGGAATGGAATGTATCTTAAATTTATTTTTAT-3'